The following is an entry in ClinVar:

NM_145038.5(DRC1):c.1581G>T (p.Arg527Ser)

Gene: DRC1 (dynein regulatory complex subunit 1; plus strand). Cytogenetic location: 2p23.3.
Variant type: single nucleotide variant.
Coding change: c.1581G>T on transcript NM_145038.5 (MANE Select); coding-DNA position 1581, G replaced by T.
Protein change: p.Arg527Ser; replaces arginine 527 with serine.
Molecular consequence: missense variant.
Genome position (GRCh38, 1-based): chr2:26,450,067, G>T. VCF-style: chr2-26450067-G-T. GRCh37 (hg19) VCF-style: chr2-26672935-G-T.
Other names: short protein forms R527S.
Identifiers: ClinVar variation 454981 (VCV000454981.15), dbSNP rs145400360, ClinGen allele CA1562311.

ClinVar aggregate classification (germline): Conflicting classifications of pathogenicity. Review status: criteria provided, conflicting classifications (1 of 4 stars). 3 submissions from 3 submitters: Uncertain significance (2); Likely benign (1). Last evaluated 2025-06-22.

Conditions:
Primary ciliary dyskinesia. Also called: Ciliary dyskinesia. Identifiers: Orphanet 244, MedGen C0008780, MONDO:0016575, HP:0012265.

Allele frequency attached by ClinVar (database versions not stated): TOPMed 0.00018; ESP Exome Variant Server 0.00023; gnomAD exomes 0.00048 and 0.00080; gnomAD 0.00064 and 0.00069; ExAC 0.00067.
gnomAD v4.1: 790 of 1,613,362 alleles (0.049%); highest among the groups gnomAD compares: Non-Finnish European, 0.029%; 2 homozygotes.

Submissions (3):

Labcorp Genetics (formerly Invitae), Labcorp
Classification: Likely benign for Primary ciliary dyskinesia. Last evaluated: 2025-06-22. Review status: criteria provided, single submitter. Criteria: Invitae Variant Classification Sherloc (09022015). Collection method: clinical testing. Allele origin: germline.

Blueprint Genetics
Classification: Uncertain significance. Last evaluated: 2024-11-19. Review status: criteria provided, single submitter. Criteria: ACMG Guidelines, 2015. Collection method: clinical testing. Allele origin: germline.

GeneDx
Classification: Uncertain significance. Last evaluated: 2020-06-04. Review status: criteria provided, single submitter. Criteria: GeneDx Variant Classification Process June 2021. Collection method: clinical testing. Allele origin: germline. Affected: yes.
Comment: In silico analysis supports that this missense variant has a deleterious effect on protein structure/function; Has not been previously published as pathogenic or benign to our knowledge